The following is an entry in ClinVar:

ClinVar aggregate classification (germline): Uncertain significance (1 of 4 stars; one submission).

Allele frequency attached by ClinVar (database versions not stated): gnomAD exomes 0.00001; gnomAD 0.00001; ExAC 0.00002; TOPMed below 0.00001.
gnomAD v4.1: 20 of 1,613,896 alleles (0.0012%); highest among the groups gnomAD compares: Middle Eastern, 0.016%; no homozygotes.

Submission:

Labcorp Genetics (formerly Invitae), Labcorp
Classification: Uncertain significance. Last evaluated: 2022-02-23. Review status: criteria provided, single submitter. Criteria: Invitae Variant Classification Sherloc (09022015). Collection method: clinical testing. Allele origin: germline.
Comment: This sequence change replaces aspartic acid, which is acidic and polar, with histidine, which is basic and polar, at codon 1209 of the PCARE protein (p.Asp1209His). This variant is present in population databases (rs757500585, gnomAD 0.003%). This variant has not been reported in the literature in individuals affected with PCARE-related conditions. ClinVar contains an entry for this variant (Variation ID: 1054504). Algorithms developed to predict the effect of missense changes on protein structure and function (SIFT, PolyPhen-2, Align-GVGD) all suggest that this variant is likely to be tolerated. In summary, the available evidence is currently insufficient to determine the role of this variant in disease. Therefore, it has been classified as a Variant of Uncertain Significance.

NM_001029883.3(PCARE):c.3625G>C (p.Asp1209His)

Gene: PCARE (photoreceptor cilium actin regulator; minus strand). Cytogenetic location: 2p23.2.
Variant type: single nucleotide variant.
Coding change: c.3625G>C on transcript NM_001029883.3 (MANE Select); coding-DNA position 3625, G replaced by C.
Protein change: p.Asp1209His; replaces aspartic acid 1209 with histidine.
Molecular consequence: missense variant.
Genome position (GRCh38, 1-based): chr2:29,070,637, C>G on the plus strand (G>C on the coding strand, the complement: PCARE is on the minus strand). VCF-style: chr2-29070637-C-G. GRCh37 (hg19) VCF-style: chr2-29293503-C-G.
Other names: short protein forms D1209H.
Identifiers: ClinVar variation 1054504 (VCV001054504.6), dbSNP rs757500585, ClinGen allele CA1591877.